The following is an entry in ClinVar:

ClinVar aggregate classification (germline): Pathogenic. Review status: criteria provided, multiple submitters, no conflicts (2 of 4 stars). 2 submissions from 2 submitters: Pathogenic (2). Last evaluated 2025-10-13.

Conditions:
Hereditary cancer-predisposing syndrome. Also called: Tumor predisposition; Neoplastic Syndromes, Hereditary; Hereditary Cancer Syndrome; Hereditary neoplastic syndrome. Identifiers: Orphanet 140162, MedGen C0027672, MeSH D009386, MONDO:0015356.
Hereditary breast ovarian cancer syndrome. Also called: Hereditary breast and ovarian cancer syndrome (HBOC); Breast and ovarian cancer; BRCA1- and BRCA2-Associated Hereditary Breast and Ovarian Cancer; Hereditary breast and ovarian cancer; Hereditary breast and ovarian cancer syndrome; Hereditary breast and/or ovarian cancer syndrome. Identifiers: Orphanet 145, MedGen C0677776, MeSH D061325, MONDO:0003582. Disease mechanism: loss of function.

Submissions (2):

Labcorp Genetics (formerly Invitae), Labcorp
Classification: Pathogenic for Hereditary breast ovarian cancer syndrome. Last evaluated: 2025-10-13. Review status: criteria provided, single submitter. Criteria: Invitae Variant Classification Sherloc (09022015). Collection method: clinical testing. Allele origin: germline.
Comment: This sequence change falls in intron 15 of the BRCA1 gene. It does not directly change the encoded amino acid sequence of the BRCA1 protein. RNA analysis indicates that this variant induces altered splicing and may result in an absent or altered protein product. This variant is not present in population databases (gnomAD no frequency). This variant has not been reported in the literature in individuals affected with BRCA1-related conditions. ClinVar contains an entry for this variant (Variation ID: 1383644). Studies have shown that this variant results in activation of a cryptic splice site, and produces a non-functional protein and/or introduces a premature termination codon (internal data). For these reasons, this variant has been classified as Pathogenic.

Ambry Genetics
Classification: Pathogenic for Hereditary cancer-predisposing syndrome. Last evaluated: 2024-09-27. Review status: criteria provided, single submitter. Criteria: Ambry Variant Classification Scheme 2023. Collection method: clinical testing. Allele origin: germline.
Comment: The c.4987-1352A>G intronic pathogenic mutation results from an A to G substitution 1352 nucleotides upstream from coding exon 15 in the BRCA1 gene. This variant segregates with disease in two families with features consistent with BRCA1-associated disease (Gulsuner S et al. Genome Res 2024 Sep). This nucleotide position is well conserved in available vertebrate species. In silico splice site analysis predicts that this alteration may result in the creation or strengthening of a novel splice donor site. RNA studies have demonstrated that this alteration results in abnormal splicing in the set of samples tested (Ambry internal data). This variant is considered to be rare based on population cohorts in the Genome Aggregation Database (gnomAD). Based on the supporting evidence, this variant is interpreted as a disease-causing mutation.

Literature cited by the submitters: PubMed 39271294 (cited by Ambry Genetics).

NM_007294.4(BRCA1):c.4987-1352A>G

Gene: BRCA1 (BRCA1 DNA repair associated; minus strand). Cytogenetic location: 17q21.31.
Variant type: single nucleotide variant.
Coding change: c.4987-1352A>G on transcript NM_007294.4 (MANE Select); 1352 bases into the intron before coding-DNA position 4987, A replaced by G.
Molecular consequence: intron variant.
Genome position (GRCh38, 1-based): chr17:43,069,047, T>C on the plus strand (A>G on the coding strand, the complement: BRCA1 is on the minus strand). VCF-style: chr17-43069047-T-C. GRCh37 (hg19) VCF-style: chr17-41221064-T-C.
Other names: c.1534-1352A>G (NM_001408458.1, NM_001408461.1, NM_001408464.1 and 7 more transcripts); c.4096-1352A>G (NM_001407967.1); c.4606-1352A>G (NM_001407959.1); c.4720-1352A>G (NM_001407931.1, NM_001407932.1, NM_001407928.1 and 4 more transcripts); c.4843-1352A>G (NM_001407747.1, NM_001407745.1, NM_001407737.1 and 21 more transcripts); c.4603-1352A>G (NM_001407962.1, NM_001407960.1); c.1174-1352A>G (NM_001408512.1); c.1297-1352A>G (NM_001408510.1); and 71 more.
Identifiers: ClinVar variation 1383644 (VCV001383644.10), dbSNP rs2153749819, ClinGen allele CA2573154002.